The following is an entry in ClinVar:

ClinVar aggregate classification (germline): Uncertain significance (1 of 4 stars; one submission).

Submission:

GeneDx
Classification: Uncertain significance. Last evaluated: 2024-03-15. Review status: criteria provided, single submitter. Criteria: GeneDx Variant Classification Process June 2021. Collection method: clinical testing. Allele origin: germline. Affected: yes.
Comment: Not observed at significant frequency in large population cohorts (gnomAD); In silico analysis supports that this missense variant has a deleterious effect on protein structure/function; Has not been previously published as pathogenic or benign to our knowledge; This variant is associated with the following publications: (PMID: 22696272)

NM_000093.5(COL5A1):c.3314G>A (p.Gly1105Glu)

Gene: COL5A1 (collagen type V alpha 1 chain; plus strand). Cytogenetic location: 9q34.3.
Variant type: single nucleotide variant.
Coding change: c.3314G>A on transcript NM_000093.5 (MANE Select); coding-DNA position 3314, G replaced by A.
Protein change: p.Gly1105Glu; replaces glycine 1105 with glutamic acid.
Molecular consequence: missense variant.
Genome position (GRCh38, 1-based): chr9:134,806,244, G>A. VCF-style: chr9-134806244-G-A. GRCh37 (hg19) VCF-style: chr9-137698090-G-A.
Other names: c.3314G>A, p.Gly1105Glu (NM_001278074.1); short protein forms G1105E.
Identifiers: ClinVar variation 3371042 (VCV003371042.1).